The following is an entry in ClinVar:

NM_003059.3(SLC22A4):c.1647T>C (p.Thr549=)

Genes: MIR3936HG (MIR3936 host gene; minus strand), SLC22A4 (solute carrier family 22 member 4; plus strand). Cytogenetic location: 5q31.1.
Variant type: single nucleotide variant.
Coding change: c.1647T>C on transcript NM_003059.3 (MANE Select); coding-DNA position 1647, T replaced by C.
Protein change: p.Thr549=; no amino-acid change (threonine 549 retained).
Molecular consequence: synonymous variant.
Genome position (GRCh38, 1-based): chr5:132,343,826, T>C. VCF-style: chr5-132343826-T-C. GRCh37 (hg19) VCF-style: chr5-131679519-T-C.
Other names: c.1647T>C (NM_003059.2).
Identifiers: ClinVar variation 2037451 (VCV002037451.7), dbSNP rs116837840, ClinGen allele CA3403739.
Genomic context (GRCh38, chr5:132,343,826, plus strand): 5'-ATCTGGGAAAAAAACAAGAGACTCAATGGAGACAGAAGAAAATCCCAAGGTTCTAATAAC[T>C]GCATTCTGAAAAAATATCTACCCCATTTGGTGAAGTGAAAAACAGAAAAATAAGACCCTG-3'
Protein context (NP_003050.2, residues 539-551): ETEENPKVLI[Thr549=]AF

ClinVar aggregate classification (germline): Likely benign. Review status: criteria provided, multiple submitters, no conflicts (2 of 4 stars). 3 submissions from 3 submitters: Likely benign (2). 1 of the submissions does not count toward it. Last evaluated 2024-08-14.

Conditions:
SLC22A4-related disorder. Also called: SLC22A4-related condition.

Allele frequency attached by ClinVar (database versions not stated): ExAC 0.00005; ESP Exome Variant Server 0.00015; 1000 Genomes Project 30x 0.00016; 1000 Genomes Project 0.00020.
gnomAD v4.1: 371 of 1,599,130 alleles (0.023%); highest among the groups gnomAD compares: Non-Finnish European, 0.03%; no homozygotes.

Submissions (3):

Blueprint Genetics
Classification: Likely benign. Last evaluated: 2024-08-14. Review status: criteria provided, single submitter. Criteria: ACMG Guidelines, 2015. Collection method: clinical testing. Allele origin: germline.

Labcorp Genetics (formerly Invitae), Labcorp
Classification: Likely benign. Last evaluated: 2024-05-12. Review status: criteria provided, single submitter. Criteria: Invitae Variant Classification Sherloc (09022015). Collection method: clinical testing. Allele origin: germline.

PreventionGenetics, part of Exact Sciences
Classification: Likely benign for SLC22A4-related condition. Last evaluated: 2019-09-17. Review status: no assertion criteria provided. Collection method: clinical testing. Allele origin: germline. Not counted in ClinVar's aggregate classification.
Comment: This variant is classified as likely benign based on ACMG/AMP sequence variant interpretation guidelines (Richards et al. 2015 PMID: 25741868, with internal and published modifications).